The following is an entry in ClinVar:

NM_001365536.1(SCN9A):c.5713T>G (p.Leu1905Val)

Genes: SCN1A-AS1 (SCN1A and SCN9A antisense RNA 1; plus strand), SCN9A (sodium voltage-gated channel alpha subunit 9; minus strand). Cytogenetic location: 2q24.3.
Variant type: single nucleotide variant.
Coding change: c.5713T>G on transcript NM_001365536.1 (MANE Select); coding-DNA position 5713, T replaced by G.
Protein change: p.Leu1905Val; replaces leucine 1905 with valine.
Molecular consequence: missense variant.
Genome position (GRCh38, 1-based): chr2:166,198,926, A>C on the plus strand (T>G on the coding strand, the complement: SCN9A is on the minus strand). VCF-style: chr2-166198926-A-C. GRCh37 (hg19) VCF-style: chr2-167055436-A-C.
Other names: c.5680T>G, p.Leu1894Val (NM_002977.4); short protein forms L1905V, L1894V.
Identifiers: ClinVar variation 4783375 (VCV004783375.1).

ClinVar aggregate classification (germline): Uncertain significance (1 of 4 stars; one submission).

Conditions:
Neuropathy, hereditary sensory and autonomic, type 2A (HSAN2A). Also called: ACROOSTEOLYSIS, GIACCAI TYPE; ACROOSTEOLYSIS, NEUROGENIC; WNK1-Related HSAN2 (HSAN2A); NEUROPATHY, HEREDITARY SENSORY RADICULAR, AUTOSOMAL RECESSIVE; MORVAN DISEASE; NEUROPATHY, CONGENITAL SENSORY. Identifiers: Orphanet 970, MedGen C2752089, MONDO:0024309, OMIM 201300.
Generalized epilepsy with febrile seizures plus, type 7 (GEFSP7). Also called: GEFS+, TYPE 7. Identifiers: Orphanet 36387, MedGen C2751778, MONDO:0013470, OMIM 613863.

Submission:

Labcorp Genetics (formerly Invitae), Labcorp
Classification: Uncertain significance for Neuropathy, hereditary sensory and autonomic, type 2A; Generalized epilepsy with febrile seizures plus, type 7. Last evaluated: 2025-11-24. Review status: criteria provided, single submitter. Criteria: Invitae Variant Classification Sherloc (09022015). Collection method: clinical testing. Allele origin: germline.
Comment: This sequence change replaces leucine, which is neutral and non-polar, with valine, which is neutral and non-polar, at codon 1894 of the SCN9A protein (p.Leu1894Val). This variant is not present in population databases (gnomAD no frequency). This variant has not been reported in the literature in individuals affected with SCN9A-related conditions. Invitae Evidence Modeling of protein sequence and biophysical properties (such as structural, functional, and spatial information, amino acid conservation, physicochemical variation, residue mobility, and thermodynamic stability) indicates that this missense variant is not expected to disrupt SCN9A protein function with a negative predictive value of 95%. In summary, the available evidence is currently insufficient to determine the role of this variant in disease. Therefore, it has been classified as a Variant of Uncertain Significance.